The following is an entry in ClinVar:

NM_016373.4(WWOX):c.638C>A (p.Thr213Asn)

Gene: WWOX (WW domain containing oxidoreductase; plus strand). Cytogenetic location: 16q23.1.
Variant type: single nucleotide variant.
Coding change: c.638C>A on transcript NM_016373.4 (MANE Select); coding-DNA position 638, C replaced by A.
Protein change: p.Thr213Asn; replaces threonine 213 with asparagine.
Molecular consequence: missense variant.
Genome position (GRCh38, 1-based): chr16:78,424,902, C>A. VCF-style: chr16-78424902-C-A. GRCh37 (hg19) VCF-style: chr16-78458799-C-A.
Other names: c.299C>A, p.Thr100Asn (NM_001291997.2); short protein forms T213N, T100N.
Identifiers: ClinVar variation 571558 (VCV000571558.6), dbSNP rs753602303, ClinGen allele CA8183398.

ClinVar aggregate classification (germline): Uncertain significance (1 of 4 stars; one submission).

Conditions:
Developmental and epileptic encephalopathy, 1 (DEE1). Also called: X-linked infantile spasms; West's syndrome; Tonic spasms with clustering, arrest of psychomotor development and hypsarrhythmia on EEG; X-Linked Infantile Spasm Syndrome; INFANTILE SPASM SYNDROME, X-LINKED 1; Epileptic encephalopathy, early infantile, 1. Identifiers: MedGen C3463992, MONDO:0010632, OMIM 308350. Disease mechanism: loss of function.
Autosomal recessive spinocerebellar ataxia 12. Also called: SPINOCEREBELLAR ATAXIA WITH MENTAL RETARDATION AND EPILEPSY. Identifiers: Orphanet 284282, MedGen C3280452, MONDO:0013687, OMIM 614322.

gnomAD v4.1: 8 of 1,614,152 alleles (0.0005%); highest among the groups gnomAD compares: Admixed American, 0.013%; no homozygotes.

Submission:

Labcorp Genetics (formerly Invitae), Labcorp
Classification: Uncertain significance for Developmental and epileptic encephalopathy, 1; Autosomal recessive spinocerebellar ataxia 12. Last evaluated: 2022-07-06. Review status: criteria provided, single submitter. Criteria: Invitae Variant Classification Sherloc (09022015). Collection method: clinical testing. Allele origin: germline.
Comment: This sequence change replaces threonine, which is neutral and polar, with asparagine, which is neutral and polar, at codon 213 of the WWOX protein (p.Thr213Asn). This variant is present in population databases (rs753602303, gnomAD 0.02%). This variant has not been reported in the literature in individuals affected with WWOX-related conditions. ClinVar contains an entry for this variant (Variation ID: 571558). Algorithms developed to predict the effect of missense changes on protein structure and function are either unavailable or do not agree on the potential impact of this missense change (SIFT: "Not Available"; PolyPhen-2: "Benign"; Align-GVGD: "Not Available"). In summary, the available evidence is currently insufficient to determine the role of this variant in disease. Therefore, it has been classified as a Variant of Uncertain Significance.